The following is an entry in ClinVar:

GRCh38/hg38 10q26.11-26.13(chr10:119273012-123117390)x3

Genes: ACADSB (acyl-CoA dehydrogenase short/branched chain; plus strand), ARMS2 (age-related maculopathy susceptibility 2; plus strand), ATE1 (arginyltransferase 1; minus strand), ATE1-AS1 (ATE1 antisense RNA 1; plus strand), BAG3 (BAG cochaperone 3; plus strand) and 119 more. Cytogenetic location: 10q26.11-26.13.
Variant type: copy number gain.
Change: copy number 3 (three copies instead of two) of chr10:119,273,012-123,117,390 (3.84 Mb, GRCh38 coordinates, 1-based), cytogenetic band 10q26.11-26.13.
Identifiers: ClinVar variation 57088 (VCV000057088.1).

ClinVar aggregate classification (germline): Pathogenic (1 of 4 stars; one submission).

Submission:

ISCA site 4
Classification: Pathogenic. Last evaluated: 2011-08-12. Review status: criteria provided, single submitter. Criteria: Kaminsky et al. (Genet Med. 2011). Collection method: clinical testing. Allele origin: unknown. Affected: yes. Observed: 1 variant allele.
Comment: Copy number variation identified through the course of routine clinical cytogenomic testing in postnatal populations. Clinical assertions have been curated as described in Kaminsky et al. 2011.